The following is an entry in ClinVar:

NM_031885.5(BBS2):c.1015C>T (p.Arg339Ter)

Gene: BBS2 (Bardet-Biedl syndrome 2; minus strand). Cytogenetic location: 16q13.
Variant type: single nucleotide variant.
Coding change: c.1015C>T on transcript NM_031885.5 (MANE Select); coding-DNA position 1015, C replaced by T.
Protein change: p.Arg339Ter; replaces arginine 339 with a stop codon.
Molecular consequence: nonsense. On other transcripts: non-coding transcript variant (5).
Genome position (GRCh38, 1-based): chr16:56,502,382, G>A on the plus strand (C>T on the coding strand, the complement: BBS2 is on the minus strand). VCF-style: chr16-56502382-G-A. GRCh37 (hg19) VCF-style: chr16-56536294-G-A.
Other names: c.1015C>T, p.Arg339Ter (NM_001377456.1); short protein forms R339*.
Identifiers: ClinVar variation 35754 (VCV000035754.22), dbSNP rs193922710, ClinGen allele CA260182.

ClinVar aggregate classification (germline): Pathogenic. Review status: criteria provided, multiple submitters, no conflicts (2 of 4 stars). 9 submissions from 9 submitters: Pathogenic (7). 2 of the submissions do not count toward it. Last evaluated 2025-10-05.

Conditions:
Retinitis pigmentosa 74 (RP74). Identifiers: Orphanet 791, MedGen C4225281, MONDO:0014692, OMIM 616562.
Bardet-Biedl syndrome 2 (BBS2). Identifiers: Orphanet 110, MedGen C2936863, MONDO:0014432, OMIM 615981.
Bardet-Biedl syndrome (BBS). Identifiers: Orphanet 110, MedGen C0752166, MONDO:0015229.

Allele frequency attached by ClinVar (database versions not stated): gnomAD exomes below 0.00001.
gnomAD v4.1: 4 of 1,614,166 alleles (0.00025%); highest among the groups gnomAD compares: Non-Finnish European, 0.00034%; no homozygotes.

Submissions (9):

Labcorp Genetics (formerly Invitae), Labcorp
Classification: Pathogenic for Bardet-Biedl syndrome. Last evaluated: 2025-10-05. Review status: criteria provided, single submitter. Criteria: Invitae Variant Classification Sherloc (09022015). Collection method: clinical testing. Allele origin: germline.
Comment: This sequence change creates a premature translational stop signal (p.Arg339*) in the BBS2 gene. It is expected to result in an absent or disrupted protein product. Loss-of-function variants in BBS2 are known to be pathogenic (PMID: 11285252, 20177705, 24608809, 26518167). This variant is not present in population databases (gnomAD no frequency). This premature translational stop signal has been observed in individuals with Bardet-Biedl syndrome (PMID: 27894351, 28387813). ClinVar contains an entry for this variant (Variation ID: 35754). For these reasons, this variant has been classified as Pathogenic.

Genomic Medicine Center of Excellence, King Faisal Specialist Hospital and Research Centre
Classification: Pathogenic for Bardet-Biedl syndrome 2. Last evaluated: 2025-09-10. Review status: criteria provided, single submitter. Criteria: ACMG Guidelines, 2015. Collection method: clinical testing. Allele origin: germline.

Dubai Health Genomic Medicine Center, Dubai Health
Classification: Pathogenic for Retinitis pigmentosa 74. Last evaluated: 2024-10-04. Review status: criteria provided, single submitter. Criteria: ACMG Guidelines, 2015. Collection method: research. Allele origin: germline. Affected: yes.
Comment: PVS1,PM2,PM3

Fulgent Genetics
Classification: Pathogenic for Bardet-Biedl syndrome 2; Retinitis pigmentosa 74. Last evaluated: 2024-03-23. Review status: criteria provided, single submitter. Criteria: ACMG Guidelines, 2015. Collection method: clinical testing. Allele origin: germline.

Baylor Genetics
Classification: Pathogenic for Bardet-Biedl syndrome 2. Last evaluated: 2024-02-26. Review status: criteria provided, single submitter. Criteria: ACMG Guidelines, 2015. Collection method: clinical testing. Allele origin: unknown.

GeneDx
Classification: Pathogenic. Last evaluated: 2024-01-10. Review status: criteria provided, single submitter. Criteria: GeneDx Variant Classification Process June 2021. Collection method: clinical testing. Allele origin: germline. Affected: yes.
Comment: Nonsense variant predicted to result in protein truncation or nonsense mediated decay in a gene for which loss of function is a known mechanism of disease; Not observed at significant frequency in large population cohorts (gnomAD); This variant is associated with the following publications: (PMID: 32055034, 31630094, 31589614, 28387813, 33777945, 31725702, 27894351)

Women's Health and Genetics/Laboratory Corporation of America, LabCorp
Classification: Pathogenic for Bardet-Biedl syndrome. Last evaluated: 2020-08-24. Review status: criteria provided, single submitter. Criteria: LabCorp Variant Classification Summary - May 2015. Collection method: clinical testing. Allele origin: germline.
Comment: Variant summary: BBS2 c.1015C>T (p.Arg339X) results in a premature termination codon, predicted to cause a truncation of the encoded protein or absence of the protein due to nonsense mediated decay, which are commonly known mechanisms for disease. Truncations downstream of this position have been classified as pathogenic by our laboratory. The variant was absent in 251404 control chromosomes (gnomAD). c.1015C>T has been reported in the literature in individuals affected with Bardet-Biedl Syndrome (e.g. Shaheen_2016). These data indicate that the variant is likely to be associated with disease. To our knowledge, no experimental evidence demonstrating an impact on protein function has been reported. Two ClinVar submitters (evaluation after 2014) cite the variant as pathogenic/likely pathogenic. Based on the evidence outlined above, the variant was classified as pathogenic.

Natera, Inc.
Classification: Pathogenic for Bardet-Biedl syndrome type 2. Last evaluated: 2020-12-10. Review status: no assertion criteria provided. Collection method: clinical testing. Allele origin: germline. Not counted in ClinVar's aggregate classification.

Counsyl
Classification: Likely pathogenic for Bardet-Biedl syndrome 2. Last evaluated: 2018-02-13. Review status: no assertion criteria provided. Collection method: clinical testing. Allele origin: unknown. Not counted in ClinVar's aggregate classification.

Literature cited by the submitters: PubMed 11285252 (cited by Labcorp Genetics (formerly Invitae), Labcorp); PubMed 20177705 (cited by Labcorp Genetics (formerly Invitae), Labcorp); PubMed 24608809 (cited by Labcorp Genetics (formerly Invitae), Labcorp); PubMed 26518167 (cited by Labcorp Genetics (formerly Invitae), Labcorp); PubMed 27894351 (cited by 3 submitters); PubMed 28387813 (cited by Labcorp Genetics (formerly Invitae), Labcorp); PubMed 32436246 (cited by Women's Health and Genetics/Laboratory Corporation of America, LabCorp).